The following is an entry in ClinVar:

ClinVar aggregate classification (germline): Uncertain significance. Review status: criteria provided, multiple submitters, no conflicts (2 of 4 stars). 3 submissions from 3 submitters: Uncertain significance (3). Last evaluated 2026-02-04.

Conditions:
Inborn genetic diseases. Identifiers: MedGen C0950123, MeSH D030342.

Submissions (3):

GeneDx
Classification: Uncertain significance. Last evaluated: 2026-02-04. Review status: criteria provided, single submitter. Criteria: GeneDx Variant Classification Process June 2021. Collection method: clinical testing. Allele origin: germline.
Comment: Has not been previously published as pathogenic or benign to our knowledge; Not observed at significant frequency in large population cohorts (gnomAD); In silico analysis supports that this missense variant has a deleterious effect on protein structure/function

Labcorp Genetics (formerly Invitae), Labcorp
Classification: Uncertain significance. Last evaluated: 2025-05-27. Review status: criteria provided, single submitter. Criteria: Invitae Variant Classification Sherloc (09022015). Collection method: clinical testing. Allele origin: germline.
Comment: This sequence change replaces tryptophan, which is neutral and slightly polar, with arginine, which is basic and polar, at codon 545 of the DLL1 protein (p.Trp545Arg). This variant is not present in population databases (gnomAD no frequency). This variant has not been reported in the literature in individuals affected with DLL1-related conditions. ClinVar contains an entry for this variant (Variation ID: 3082907). An algorithm developed to predict the effect of missense changes on protein structure and function (PolyPhen-2) suggests that this variant is likely to be disruptive. In summary, the available evidence is currently insufficient to determine the role of this variant in disease. Therefore, it has been classified as a Variant of Uncertain Significance.

Ambry Genetics
Classification: Uncertain significance for Inborn genetic diseases. Last evaluated: 2024-01-29. Review status: criteria provided, single submitter. Criteria: Ambry Variant Classification Scheme 2023. Collection method: clinical testing. Allele origin: germline.

NM_005618.4(DLL1):c.1633T>A (p.Trp545Arg)

Gene: DLL1 (delta like canonical Notch ligand 1; minus strand). Cytogenetic location: 6q27.
Variant type: single nucleotide variant.
Coding change: c.1633T>A on transcript NM_005618.4 (MANE Select); coding-DNA position 1633, T replaced by A.
Protein change: p.Trp545Arg; replaces tryptophan 545 with arginine.
Molecular consequence: missense variant.
Genome position (GRCh38, 1-based): chr6:170,283,646, A>T on the plus strand (T>A on the coding strand, the complement: DLL1 is on the minus strand). VCF-style: chr6-170283646-A-T. GRCh37 (hg19) VCF-style: chr6-170592734-A-T.
Other names: short protein forms W545R.
Identifiers: ClinVar variation 3082907 (VCV003082907.4), dbSNP rs2483346710, ClinGen allele CA366506860.